The following is an entry in ClinVar:

NM_000138.5(FBN1):c.3233C>G (p.Pro1078Arg)

Gene: FBN1 (fibrillin 1; minus strand). Cytogenetic location: 15q21.1.
Variant type: single nucleotide variant.
Coding change: c.3233C>G on transcript NM_000138.5 (MANE Select); coding-DNA position 3233, C replaced by G.
Protein change: p.Pro1078Arg; replaces proline 1078 with arginine.
Molecular consequence: missense variant.
Genome position (GRCh38, 1-based): chr15:48,488,217, G>C on the plus strand (C>G on the coding strand, the complement: FBN1 is on the minus strand). VCF-style: chr15-48488217-G-C. GRCh37 (hg19) VCF-style: chr15-48780414-G-C.
Other names: c.3233C>G, p.Pro1078Arg (NM_001406716.1); short protein forms P1078R.
Identifiers: ClinVar variation 4847535 (VCV004847535.1).

ClinVar aggregate classification (germline): Uncertain significance (1 of 4 stars; one submission).

Submission:

Women's Health and Genetics/Laboratory Corporation of America, LabCorp
Classification: Uncertain significance. Last evaluated: 2026-03-03. Review status: criteria provided, single submitter. Criteria: LabCorp Variant Classification Summary - May 2015. Collection method: clinical testing. Allele origin: germline.
Comment: Variant summary: FBN1 c.3233C>G (p.Pro1078Arg) results in a non-conservative amino acid change in the encoded protein sequence. Algorithms developed to predict the effect of missense changes on protein structure and function all suggest that this variant is likely to be disruptive. The variant was absent in 251470 control chromosomes. The available data on variant occurrences in the general population are insufficient to allow any conclusion about variant significance. To our knowledge, no occurrence of c.3233C>G in individuals affected with FBN1-related conditions and no experimental evidence demonstrating its impact on protein function have been reported. No submitters have cited clinical-significance assessments for this variant to ClinVar. Based on the evidence outlined above, the variant was classified as uncertain significance.